The following is an entry in ClinVar:

NM_183353.2(RLIM):c.257_259del

Gene: RLIM (ring finger protein, LIM domain interacting; minus strand). Cytogenetic location: Xq13.2.
Variant type: Microsatellite.
Coding change: c.257_259del on transcript NM_183353.2; coding-DNA positions 257 to 259, 3 bases deleted (GAG; older notation c.257_259delGAG).
Genome position (GRCh38, 1-based): chrX:74,593,056-74,593,058, CTC deleted on the plus strand (GAG on the coding strand, the reverse complement: RLIM is on the minus strand); deleting any 3 consecutive bases within chrX:74,593,056-74,593,063 gives the same sequence; the c. name uses the placement nearest the transcript's 3' end. VCF-style (leftmost placement, unchanged base first): chrX-74593055-TCTC-T. GRCh37 (hg19) VCF-style: chrX-73812890-TCTC-T.
Identifiers: ClinVar variation 3361571 (VCV003361571.2).

ClinVar aggregate classification (germline): Likely pathogenic (1 of 4 stars; one submission).

Submission:

GeneDx
Classification: Likely pathogenic. Last evaluated: 2026-09-29. Review status: criteria provided, single submitter. Criteria: GeneDx Variant Classification Process June 2021. Collection method: clinical testing. Allele origin: germline.
Comment: In-frame deletion of 1 amino acid(s) in a non-repeat region; Not observed at significant frequency in large population cohorts (gnomAD); In silico analysis supports a deleterious effect on protein structure/function; Has not been previously published as pathogenic or benign to our knowledge